The following is an entry in ClinVar:

ClinVar aggregate classification (germline): Uncertain significance (1 of 4 stars; one submission).

Conditions:
Autosomal recessive limb-girdle muscular dystrophy type 2W (MDRCMTT). Also called: Muscular dystrophy, autosomal recessive, with cardiomyopathy and triangular tongue; Muscular dystrophy, limb-girdle, type 2W. Identifiers: MedGen C4225192, MONDO:0014788, OMIM 616827.

Submission:

Labcorp Genetics (formerly Invitae), Labcorp
Classification: Uncertain significance for Autosomal recessive limb-girdle muscular dystrophy type 2W. Last evaluated: 2022-05-20. Review status: criteria provided, single submitter. Criteria: Invitae Variant Classification Sherloc (09022015). Collection method: clinical testing. Allele origin: germline.
Comment: In summary, the available evidence is currently insufficient to determine the role of this variant in disease. Therefore, it has been classified as a Variant of Uncertain Significance. Experimental studies and prediction algorithms are not available or were not evaluated, and the functional significance of this variant is currently unknown. This variant has not been reported in the literature in individuals affected with LIMS2-related conditions. This variant is not present in population databases (gnomAD no frequency). This sequence change creates a premature translational stop signal (p.Cys62*) in the LIMS2 gene. It is expected to result in an absent or disrupted protein product. However, the current clinical and genetic evidence is not sufficient to establish whether loss-of-function variants in LIMS2 cause disease.

NM_001161403.3(LIMS2):c.116_119dup (p.Cys40Ter)

Gene: LIMS2 (LIM zinc finger domain containing 2; minus strand). Cytogenetic location: 2q14.3.
Variant type: Duplication.
Coding change: c.116_119dup on transcript NM_001161403.3 (MANE Select); coding-DNA positions 116 to 119, 4 bases duplicated (ACTG; older notation c.116_119dupACTG).
Protein change: p.Cys40Ter; replaces cysteine 40 with a stop codon.
Molecular consequence: nonsense.
Genome position (GRCh38, 1-based): chr2:127,657,455-127,657,458, CAGT duplicated on the plus strand (ACTG on the coding strand, the reverse complement: LIMS2 is on the minus strand). VCF-style (leftmost placement, unchanged base first): chr2-127657454-G-GCAGT. GRCh37 (hg19) VCF-style: chr2-128415028-G-GCAGT.
Other names: c.182_185dup, p.Cys62Ter (NM_001136037.4); c.101_104dup, p.Cys35Ter (NM_001161404.2); c.188_191dup, p.Cys64Ter (NM_017980.5); short protein forms C64*, C62*, C35*, C40*.
Identifiers: ClinVar variation 1933078 (VCV001933078.5), dbSNP rs2468994448, ClinGen allele CA2580063802.
Genomic context (GRCh38, chr2:127,657,454, plus strand): 5'-TGTCCTCACCTCATAGAAGAGCCCCTCGGGGAAGGGCCGGAAGCACTGGGCACACACGAA[G>GCAGT]CAGTGCTCATGGTACAGCTCCCCATTGCTGTTGACAATGCGCTCGGCGGGGGAGAAGCGG-3'